The following is an entry in ClinVar:

ClinVar aggregate classification (germline): Likely benign. Review status: criteria provided, multiple submitters, no conflicts (2 of 4 stars). 2 submissions from 2 submitters: Likely benign (2). Last evaluated 2026-02-16.

Conditions:
CHD4-related disorder. Also called: CHD4-related condition.

Allele frequency attached by ClinVar (database versions not stated): gnomAD exomes 0.00005; ExAC 0.00009; 1000 Genomes Project 30x 0.00031; ESP Exome Variant Server 0.00038; 1000 Genomes Project 0.00040; gnomAD 0.00047; TOPMed 0.00056.
gnomAD v4.1: 142 of 1,589,968 alleles (0.0089%); highest among the groups gnomAD compares: African/African-American, 0.15%; no homozygotes.

Submissions (2):

PreventionGenetics, part of Exact Sciences
Classification: Likely benign for CHD4-related condition. Last evaluated: 2026-02-16. Review status: criteria provided, single submitter. Criteria: ACMG Guidelines, 2015. Collection method: clinical testing. Allele origin: germline.
Comment: This variant is classified as likely benign based on ACMG/AMP sequence variant interpretation guidelines (Richards et al. 2015 PMID: 25741868, with internal and published modifications).

Labcorp Genetics (formerly Invitae), Labcorp
Classification: Likely benign. Last evaluated: 2025-11-15. Review status: criteria provided, single submitter. Criteria: Invitae Variant Classification Sherloc (09022015). Collection method: clinical testing. Allele origin: germline.

NM_001273.5(CHD4):c.826G>T (p.Gly276Cys)

Gene: CHD4 (chromodomain helicase DNA binding protein 4; minus strand). Cytogenetic location: 12p13.31.
Variant type: single nucleotide variant.
Coding change: c.826G>T on transcript NM_001273.5 (MANE Select); coding-DNA position 826, G replaced by T.
Protein change: p.Gly276Cys; replaces glycine 276 with cysteine.
Molecular consequence: missense variant.
Genome position (GRCh38, 1-based): chr12:6,601,027, C>A on the plus strand (G>T on the coding strand, the complement: CHD4 is on the minus strand). VCF-style: chr12-6601027-C-A. GRCh37 (hg19) VCF-style: chr12-6710193-C-A.
Other names: c.826G>T (NM_001273.3); c.805G>T, p.Gly269Cys (NM_001297553.2); c.826G>T, p.Gly276Cys (NM_001363606.2); short protein forms G269C, G276C.
Identifiers: ClinVar variation 2893170 (VCV002893170.4), dbSNP rs148588653, ClinGen allele CA6412399.
Genomic context (GRCh38, chr12:6,601,027, plus strand): 5'-TTTTCAGGGGAGCTACTTTCTTGGGTTTAGGCTTCTTGGCATCAGGTACACGAGGGCTGC[C>A]CTTGGGCTTCCTCCGAGCATTGGGACCTAAAATCAGGATATATCCAAATATATACCACAA-3'
Protein context (NP_001264.2, residues 266-286): KGPNARRKPK[Gly276Cys]SPRVPDAKKP